The following is an entry in ClinVar:

ClinVar aggregate classification (germline): Uncertain significance (1 of 4 stars; one submission).

Conditions:
STRC-related disorder. Also called: STRC-related condition.

Submission:

PreventionGenetics, part of Exact Sciences
Classification: Uncertain significance for STRC-related condition. Last evaluated: 2024-10-08. Review status: criteria provided, single submitter. Criteria: ACMG Guidelines, 2015. Collection method: clinical testing. Allele origin: germline.
Comment: The STRC c.1A>G variant is predicted to disrupt the translation initiation site (Start loss). To our knowledge, this variant has not been reported in the literature or in a large population database (gnomAD), indicating this variant is rare. Although we suspect that this variant may be pathogenic, at this time, the clinical significance of this variant is uncertain due to the absence of conclusive functional and genetic evidence.

NM_153700.2(STRC):c.1A>G (p.Met1Val)

Gene: STRC (stereocilin; minus strand). Cytogenetic location: 15q15.3.
Variant type: single nucleotide variant.
Coding change: c.1A>G on transcript NM_153700.2 (MANE Select); coding-DNA position 1, A replaced by G.
Protein change: p.Met1Val; changes the start codon (methionine 1).
Molecular consequence: missense variant, initiator codon variant.
Genome position (GRCh38, 1-based): chr15:43,618,722, T>C on the plus strand (A>G on the coding strand, the complement: STRC is on the minus strand). VCF-style: chr15-43618722-T-C. GRCh37 (hg19) VCF-style: chr15-43910920-T-C.
Other names: short protein forms M1V.
Identifiers: ClinVar variation 4998339 (VCV004998339.1).
Genomic context (GRCh38, chr15:43,618,722, plus strand): 5'-CAAAGGACAGCAGCAGCAGCAGCAGCAGCAGCAGCAGCAGGGGCCAGAGGCTGAGAGCCA[T>C]GTTTCCAAGTGAACACTGGTACCGGAGGTGAGTTCTGGTTATTCTCACCTGTGTGGGATA-3'
Protein context (NP_714544.1, residues 1-11): [Met1Val]ALSLWPLLLL